The following is an entry in ClinVar:

NM_000153.4(GALC):c.287A>G (p.His96Arg)

Gene: GALC (galactosylceramidase; minus strand). Cytogenetic location: 14q31.3.
Variant type: single nucleotide variant.
Coding change: c.287A>G on transcript NM_000153.4 (MANE Select); coding-DNA position 287, A replaced by G.
Protein change: p.His96Arg; replaces histidine 96 with arginine.
Molecular consequence: missense variant.
Genome position (GRCh38, 1-based): chr14:87,988,185, T>C on the plus strand (A>G on the coding strand, the complement: GALC is on the minus strand). VCF-style: chr14-87988185-T-C. GRCh37 (hg19) VCF-style: chr14-88454529-T-C.
Other names: c.218A>G, p.His73Arg (NM_001201401.2); c.209A>G, p.His70Arg (NM_001201402.2); short protein forms H70R, H73R, H96R.
Identifiers: ClinVar variation 1050383 (VCV001050383.1), dbSNP rs748593957, ClinGen allele CA7297440.

ClinVar aggregate classification (germline): Uncertain significance (0 of 4 stars; one submission).

Allele frequency attached by ClinVar (database versions not stated): gnomAD exomes 0.00001; ExAC 0.00002.
gnomAD v4.1: 9 of 1,613,814 alleles (0.00056%); highest among the groups gnomAD compares: South Asian, 0.0099%; no homozygotes.

Submission:

Department of Pathology and Laboratory Medicine, Sinai Health System
Classification: Uncertain significance. Review status: no assertion criteria provided. Collection method: clinical testing. Allele origin: unknown. Affected: yes. Study: The Canadian Open Genetics Repository (COGR).
Comment: The GALC p.H96R variant was not identified in the literature nor was it identified in ClinVar. The variant was identified in dbSNP (ID: rs748593957) and in control databases in 3 of 249404 chromosomes at a frequency of 0.00001203 (Genome Aggregation Database March 6, 2019, v2.1.1). The p.H96 residue is conserved in mammals and computational analyses (MUT Assesor, PolyPhen-2, SIFT, MutationTaster, Revel, FATHMM, MetaLR, DANN) suggest that the variant may impact the protein; however, this information is not predictive enough to assume pathogenicity. The variant occurs outside of the splicing consensus sequence and in silico or computational prediction software programs (Splice AI exome and Splice AI genome) do not predict a deleterious effect on splicing. In summary, based on the above information the clinical significance of this variant cannot be determined with certainty at this time. This variant is classified as a variant of uncertain significance.